The following is an entry in ClinVar:

ClinVar aggregate classification (germline): Likely benign. Review status: criteria provided, multiple submitters, no conflicts (2 of 4 stars). 2 submissions from 2 submitters: Likely benign (2). Last evaluated 2026-01-25.

Conditions:
DNMT1-related disorder. Also called: DNMT1-related condition. Identifiers: MedGen CN381527.
Hereditary sensory neuropathy-deafness-dementia syndrome. Also called: Hereditary sensory neuropathy type IE; HSN IE; NEUROPATHY, HEREDITARY SENSORY, WITH HEARING LOSS AND DEMENTIA; Hereditary Sensory and Autonomic Neuropathy Type 1E (HSAN1E). Identifiers: Orphanet 456318, MedGen C3279885, MONDO:0013584, OMIM 614116.

Allele frequency attached by ClinVar (database versions not stated): gnomAD exomes 0.00003 and 0.00006; ExAC 0.00004; gnomAD 0.00011; ESP Exome Variant Server 0.00015; TOPMed 0.00018.
gnomAD v4.1: 67 of 1,613,326 alleles (0.0042%); highest among the groups gnomAD compares: African/African-American, 0.029%; no homozygotes.

Submissions (2):

Labcorp Genetics (formerly Invitae), Labcorp
Classification: Likely benign for Hereditary sensory neuropathy-deafness-dementia syndrome. Last evaluated: 2026-01-25. Review status: criteria provided, single submitter. Criteria: Invitae Variant Classification Sherloc (09022015). Collection method: clinical testing. Allele origin: germline.

PreventionGenetics, part of Exact Sciences
Classification: Likely benign for DNMT1-related condition. Last evaluated: 2025-07-24. Review status: criteria provided, single submitter. Criteria: ACMG Guidelines, 2015. Collection method: clinical testing. Allele origin: germline.
Comment: This variant is classified as likely benign based on ACMG/AMP sequence variant interpretation guidelines (Richards et al. 2015 PMID: 25741868, with internal and published modifications).

NM_001130823.3(DNMT1):c.1479C>T (p.Ile493=)

Gene: DNMT1 (DNA methyltransferase 1; minus strand). Cytogenetic location: 19p13.2.
Variant type: single nucleotide variant.
Coding change: c.1479C>T on transcript NM_001130823.3 (MANE Select); coding-DNA position 1479, C replaced by T.
Protein change: p.Ile493=; no amino-acid change (isoleucine 493 retained).
Molecular consequence: synonymous variant.
Genome position (GRCh38, 1-based): chr19:10,155,866, G>A on the plus strand (C>T on the coding strand, the complement: DNMT1 is on the minus strand). VCF-style: chr19-10155866-G-A. GRCh37 (hg19) VCF-style: chr19-10266542-G-A.
Other names: c.1431C>T, p.Ile477= (NM_001318730.2, NM_001379.4); c.1116C>T, p.Ile372= (NM_001318731.2); c.1479C>T (NM_001130823.2).
Identifiers: ClinVar variation 1127196 (VCV001127196.10), dbSNP rs376715649, ClinGen allele CA9188294.